The following is an entry in ClinVar:

ClinVar aggregate classification (germline): Benign/Likely benign. Review status: criteria provided, multiple submitters, no conflicts (2 of 4 stars). 6 submissions from 6 submitters: Benign (5); Likely benign (1). Last evaluated 2026-01-28.

Conditions:
Usher syndrome type 2C. Also called: Usher syndrome, type 2B; USHER SYNDROME, TYPE IIC. Identifiers: Orphanet 231178, Orphanet 886, MedGen C2931213, MONDO:0011558, OMIM 605472.
Febrile seizures, familial, 4 (FEB4). Also called: CONVULSIONS, FAMILIAL FEBRILE, 4. Identifiers: MedGen C1858493, MONDO:0011443, OMIM 604352.

Allele frequency attached by ClinVar (database versions not stated): gnomAD exomes 0.00076 and 0.00218; ExAC 0.00282; gnomAD 0.00875 and 0.00937; TOPMed 0.00970; ESP Exome Variant Server 0.01029; 1000 Genomes Project 0.01058; 1000 Genomes Project 30x 0.01156.
gnomAD v4.1: 2,503 of 1,611,358 alleles (0.16%); highest among the groups gnomAD compares: African/African-American, 3%; 36 homozygotes.

Submissions (6):

Labcorp Genetics (formerly Invitae), Labcorp
Classification: Benign. Last evaluated: 2026-01-28. Review status: criteria provided, single submitter. Criteria: Invitae Variant Classification Sherloc (09022015). Collection method: clinical testing. Allele origin: germline.

Fulgent Genetics
Classification: Likely benign for Febrile seizures, familial, 4; Usher syndrome type 2C. Last evaluated: 2021-09-08. Review status: criteria provided, single submitter. Criteria: ACMG Guidelines, 2015. Collection method: clinical testing. Allele origin: unknown.

Athena Diagnostics
Classification: Benign. Last evaluated: 2018-01-24. Review status: criteria provided, single submitter. Criteria: Athena Diagnostics Criteria. Collection method: clinical testing. Allele origin: germline.

GeneDx
Classification: Benign. Last evaluated: 2017-10-23. Review status: criteria provided, single submitter. Criteria: GeneDx Variant Classification (06012015). Collection method: clinical testing. Allele origin: germline. Affected: yes.
Comment: This variant is considered likely benign or benign based on one or more of the following criteria: it is a conservative change, it occurs at a poorly conserved position in the protein, it is predicted to be benign by multiple in silico algorithms, and/or has population frequency not consistent with disease.

Center for Pediatric Genomic Medicine, Children's Mercy Hospital and Clinics
Classification: Benign. Last evaluated: 2015-06-04. Review status: criteria provided, single submitter. Criteria: ACMG Guidelines, 2015. Collection method: clinical testing. Allele origin: germline.

Laboratory for Molecular Medicine, Mass General Brigham Personalized Medicine
Classification: Benign. Last evaluated: 2012-04-30. Review status: criteria provided, single submitter. Criteria: LMM Criteria. Collection method: clinical testing. Allele origin: germline. Observed: 13 variant alleles.
Comment: Asn606Thr in Exon 09 of GPR98: This variant is not expected to have clinical sig nificance because it has been identified in 3.2% (96/2992) of African American c hromosomes from a broad population by the NHLBI Exome Sequencing Project (dbSNP rs61749567).

NM_032119.4(ADGRV1):c.1817A>C (p.Asn606Thr)

Gene: ADGRV1 (adhesion G protein-coupled receptor V1; plus strand). Cytogenetic location: 5q14.3.
Variant type: single nucleotide variant.
Coding change: c.1817A>C on transcript NM_032119.4 (MANE Select); coding-DNA position 1817, A replaced by C.
Protein change: p.Asn606Thr; replaces asparagine 606 with threonine.
Molecular consequence: missense variant. On other transcripts: non-coding transcript variant (1).
Genome position (GRCh38, 1-based): chr5:90,629,517, A>C. VCF-style: chr5-90629517-A-C. GRCh37 (hg19) VCF-style: chr5-89925334-A-C.
Other names: short protein forms N606T.
Identifiers: ClinVar variation 46296 (VCV000046296.16), dbSNP rs61749567, ClinGen allele CA138076.